The following is an entry in ClinVar:

NM_001254.4(CDC6):c.413G>A (p.Cys138Tyr)

Gene: CDC6 (cell division cycle 6; plus strand). Cytogenetic location: 17q21.2.
Variant type: single nucleotide variant.
Coding change: c.413G>A on transcript NM_001254.4 (MANE Select); coding-DNA position 413, G replaced by A.
Protein change: p.Cys138Tyr; replaces cysteine 138 with tyrosine.
Molecular consequence: missense variant.
Genome position (GRCh38, 1-based): chr17:40,291,292, G>A. VCF-style: chr17-40291292-G-A. GRCh37 (hg19) VCF-style: chr17-38447544-G-A.
Other names: short protein forms C138Y.
Identifiers: ClinVar variation 1901712 (VCV001901712.5), dbSNP rs2032757903, ClinGen allele CA399327674.

ClinVar aggregate classification (germline): Uncertain significance (1 of 4 stars; one submission).

Allele frequency attached by ClinVar (database versions not stated): gnomAD exomes below 0.00001; gnomAD 0.00001.
gnomAD v4.1: 2 of 1,614,088 alleles (0.00012%); highest among the groups gnomAD compares: Non-Finnish European, 0.00017%; no homozygotes.

Submission:

Labcorp Genetics (formerly Invitae), Labcorp
Classification: Uncertain significance. Last evaluated: 2025-11-10. Review status: criteria provided, single submitter. Criteria: Invitae Variant Classification Sherloc (09022015). Collection method: clinical testing. Allele origin: germline.
Comment: This sequence change replaces cysteine, which is neutral and slightly polar, with tyrosine, which is neutral and polar, at codon 138 of the CDC6 protein (p.Cys138Tyr). This variant is not present in population databases (gnomAD no frequency). This variant has not been reported in the literature in individuals affected with CDC6-related conditions. ClinVar contains an entry for this variant (Variation ID: 1901712). An algorithm developed to predict the effect of missense changes on protein structure and function (PolyPhen-2) suggests that this variant is likely to be tolerated. In summary, the available evidence is currently insufficient to determine the role of this variant in disease. Therefore, it has been classified as a Variant of Uncertain Significance.